The following is an entry in ClinVar:

NM_021008.4(DEAF1):c.56T>C (p.Val19Ala)

Gene: DEAF1 (DEAF1 transcription factor; minus strand). Cytogenetic location: 11p15.5.
Variant type: single nucleotide variant.
Coding change: c.56T>C on transcript NM_021008.4 (MANE Select); coding-DNA position 56, T replaced by C.
Protein change: p.Val19Ala; replaces valine 19 with alanine.
Molecular consequence: missense variant. On other transcripts: intron variant (1).
Genome position (GRCh38, 1-based): chr11:694,992, A>G on the plus strand (T>C on the coding strand, the complement: DEAF1 is on the minus strand). VCF-style: chr11-694992-A-G. GRCh37 (hg19) VCF-style: chr11-694992-A-G.
Other names: c.56T>C, p.Val19Ala (NM_001293634.2); c.-437-3394T>C (NM_001367390.1); short protein forms V19A.
Identifiers: ClinVar variation 434935 (VCV000434935.32), dbSNP rs767318857, ClinGen allele CA5786682.

ClinVar aggregate classification (germline): Conflicting classifications of pathogenicity. Review status: criteria provided, conflicting classifications (1 of 4 stars). 8 submissions from 8 submitters: Uncertain significance (5); Likely benign (1). 2 of the submissions do not count toward it. Last evaluated 2026-03-01.

Conditions:
DEAF1-related disorder.
Intellectual disability-epilepsy-extrapyramidal syndrome (NEDHELS). Also called: Dyskinesia, seizures, and intellectual developmental disorder. Identifiers: Orphanet 468620, MedGen C4310683, MONDO:0014952, OMIM 617171.
Intellectual disability, autosomal dominant 24 (VSVS). Also called: VULTO-VAN SILFHOUT-DE VRIES SYNDROME. Identifiers: MedGen C4014414, MONDO:0014357, OMIM 615828.

Allele frequency attached by ClinVar (database versions not stated): ExAC 0.00044; gnomAD exomes 0.00097 and 0.00195; TOPMed 0.00118; gnomAD 0.00124.
gnomAD v4.1: 1,946 of 1,061,004 alleles (0.18%); highest among the groups gnomAD compares: Non-Finnish European, 0.2%; 3 homozygotes.

Submissions (8):

CeGaT Center for Human Genetics Tuebingen
Classification: Likely benign. Last evaluated: 2026-03-01. Review status: criteria provided, single submitter. Criteria: CeGaT Center For Human Genetics Tuebingen Variant Classification Criteria Version 2. Collection method: clinical testing. Allele origin: germline. Affected: yes. Observed: 3 variant alleles.
Comment: DEAF1: BS2

Labcorp Genetics (formerly Invitae), Labcorp
Classification: Uncertain significance. Last evaluated: 2026-01-26. Review status: criteria provided, single submitter. Criteria: Invitae Variant Classification Sherloc (09022015). Collection method: clinical testing. Allele origin: germline.
Comment: This sequence change replaces valine, which is neutral and non-polar, with alanine, which is neutral and non-polar, at codon 19 of the DEAF1 protein (p.Val19Ala). The frequency data for this variant in the population databases is considered unreliable, as metrics indicate poor data quality at this position in the gnomAD database. This variant has not been reported in the literature in individuals affected with DEAF1-related conditions. ClinVar contains an entry for this variant (Variation ID: 434935). Invitae Evidence Modeling of protein sequence and biophysical properties (such as structural, functional, and spatial information, amino acid conservation, physicochemical variation, residue mobility, and thermodynamic stability) indicates that this missense variant is not expected to disrupt DEAF1 protein function with a negative predictive value of 80%. In summary, the available evidence is currently insufficient to determine the role of this variant in disease. Therefore, it has been classified as a Variant of Uncertain Significance.

Pittsburgh Clinical Genomics Laboratory, University of Pittsburgh Medical Center
Classification: Uncertain significance for Intellectual disability, autosomal dominant 24. Last evaluated: 2023-09-07. Review status: criteria provided, single submitter. Criteria: ACMG Guidelines, 2015. Collection method: clinical testing. Allele origin: germline. Inheritance: Autosomal unknown. Affected: yes.
Comment: This sequence variant is a single nucleotide substitution (T>C) at position 56 of the coding sequence of the DEAF1 gene that results in a valine to alanine amino acid change at residue 19 of the DEAF1 transcription factor protein. This is a previously reported variant (ClinVar) that has not been observed in individuals with DEAF1-related illness, to our knowledge. This variant is present in 72 of 57852 alleles (0.1245%) in the gnomAD population dataset. Multiple bioinformatic tools predict that this Val to Ala amino acid change would be neutral, and the Val19 residue at this position is moderately conserved across the vertebrate species examined. Studies examining the functiol consequence of this variant have not been performed, to our knowledge. At this time, there is insufficient evidence to determine if this variant is pathogenic or benign. Therefore, we consider this to be a variant of uncertain significance. ACMG Criteria: BP4, PM2

Revvity Omics, Revvity
Classification: Uncertain significance. Last evaluated: 2022-05-10. Review status: criteria provided, single submitter. Criteria: ACMG Guidelines, 2015. Collection method: clinical testing. Allele origin: germline.

Genetic Services Laboratory, University of Chicago
Classification: Uncertain significance. Last evaluated: 2016-01-22. Review status: criteria provided, single submitter. Criteria: ACMG Guidelines, 2015. Collection method: clinical testing. Allele origin: germline. Affected: no.

Breakthrough Genomics
Classification: Uncertain significance. Review status: criteria provided, single submitter. Criteria: ACMG Guidelines, 2015. Collection method: not provided. Allele origin: germline. Inheritance: Autosomal recessive inheritance. Affected: yes.

PreventionGenetics, part of Exact Sciences
Classification: Likely benign for DEAF1-related condition. Last evaluated: 2022-08-30. Review status: no assertion criteria provided. Collection method: clinical testing. Allele origin: germline. Not counted in ClinVar's aggregate classification.
Comment: This variant is classified as likely benign based on ACMG/AMP sequence variant interpretation guidelines (Richards et al. 2015 PMID: 25741868, with internal and published modifications).

Department of Pathology and Laboratory Medicine, Sinai Health System
Classification: Uncertain significance for Intellectual disability-epilepsy-extrapyramidal syndrome. Review status: no assertion criteria provided. Collection method: clinical testing. Allele origin: unknown. Affected: yes. Study: The Canadian Open Genetics Repository (COGR). Not counted in ClinVar's aggregate classification.
Comment: The DEAF1 p.V19A variant was identified in the literature as a somatic variant in a tumor sample from a patient with Biliary Tract Cancer (Yoon_2018_PMID:30602096). The variant was identified in dbSNP (ID: rs767318857) and ClinVar (classified as uncertain significance by University of Chicago, Genetic Services Laboratory). The variant was identified in control databases in 72 of 57852 chromosomes at a frequency of 0.001245, and was observed at the highest frequency in the European (non-Finnish) population in 50 of 27362 chromosomes (freq: 0.001827) (Genome Aggregation Database March 6, 2019, v2.1.1). The p.V19 residue is not highly conserved in mammals and computational analyses (MUT Assesor, PolyPhen-2, SIFT, MutationTaster, Revel, FATHMM, MetaLR, DANN) do not suggest a high likelihood of impact to the protein; however this information is not predictive enough to rule out pathogenicity. The variant occurs outside of the splicing consensus sequence and in silico or computational prediction software programs (Splice AI exome) do not predict a difference in splicing. In summary, based on the above information the clinical significance of this variant cannot be determined with certainty at this time. This variant is classified as a variant of uncertain significance.